The following is an entry in ClinVar:

ClinVar aggregate classification (germline): Likely pathogenic (1 of 4 stars; one submission).

Conditions:
KDM5B-related disorder. Also called: KDM5B-related condition.

Submission:

PreventionGenetics, part of Exact Sciences
Classification: Likely pathogenic for KDM5B-related condition. Last evaluated: 2025-02-25. Review status: criteria provided, single submitter. Criteria: ACMG Guidelines, 2015. Collection method: clinical testing. Allele origin: germline.
Comment: The KDM5B c.3527dupT variant is predicted to result in a frameshift and premature protein termination (p.Ile1178Asnfs*16). To our knowledge, this variant has not been reported in the literature or in a large population database (gnomAD), indicating this variant is rare. Frameshift variants in KDM5B are expected to be pathogenic. This variant is interpreted as likely pathogenic.

NM_006618.5(KDM5B):c.3527dup (p.Ile1178fs)

Gene: KDM5B (lysine demethylase 5B; minus strand). Cytogenetic location: 1q32.1.
Variant type: Duplication.
Coding change: c.3527dup on transcript NM_006618.5 (MANE Select); coding-DNA position 3527, one base duplicated (T; older notation c.3527dupT).
Protein change: p.Ile1178fs; shifts the reading frame from isoleucine 1178.
Molecular consequence: frameshift variant.
Genome position (GRCh38, 1-based): chr1:202,733,783, A duplicated on the plus strand (T on the coding strand, the reverse complement: KDM5B is on the minus strand). VCF-style (leftmost placement, unchanged base first): chr1-202733782-T-TA. GRCh37 (hg19) VCF-style: chr1-202702910-T-TA.
Other names: c.3635dup, p.Ile1214fs (NM_001314042.2); c.3392dup, p.Ile1133fs (NM_001347591.2); c.3512dup, p.Ile1173fs (NM_001399817.1); short protein forms I1133fs, I1178fs, I1214fs, I1173fs.
Identifiers: ClinVar variation 4998624 (VCV004998624.1).